The following is an entry in ClinVar:

ClinVar aggregate classification (germline): Uncertain significance (1 of 4 stars; one submission).

Submission:

Women's Health and Genetics/Laboratory Corporation of America, LabCorp
Classification: Uncertain significance. Last evaluated: 2025-10-03. Review status: criteria provided, single submitter. Criteria: LabCorp Variant Classification Summary - May 2015. Collection method: clinical testing. Allele origin: germline.
Comment: Variant summary: DOCK3 c.2184+6G>C alters a conserved nucleotide located close to a canonical splice site and therefore could affect mRNA splicing, leading to a significantly altered protein sequence. Consensus agreement among computation tools predict no significant impact on normal splicing. However, these predictions have yet to be confirmed by functional studies. The variant allele was found at a frequency of 4.1e-06 in 244862 control chromosomes. The available data on variant occurrences in the general population are insufficient to allow any conclusion about variant significance. To our knowledge, no occurrence of c.2184+6G>C in individuals affected with DOCK3-related conditions and no experimental evidence demonstrating its impact on protein function have been reported. No submitters have cited clinical-significance assessments for this variant to ClinVar. Based on the evidence outlined above, the variant was classified as uncertain significance.

NM_004947.5(DOCK3):c.2184+6G>C

Gene: DOCK3 (dedicator of cytokinesis 3; plus strand). Cytogenetic location: 3p21.2.
Variant type: single nucleotide variant.
Coding change: c.2184+6G>C on transcript NM_004947.5 (MANE Select); 6 bases into the intron after coding-DNA position 2184, G replaced by C.
Molecular consequence: intron variant.
Genome position (GRCh38, 1-based): chr3:51,246,813, G>C. VCF-style: chr3-51246813-G-C. GRCh37 (hg19) VCF-style: chr3-51284244-G-C.
Identifiers: ClinVar variation 4687591 (VCV004687591.1).